The following is an entry in ClinVar:

NM_000887.5(ITGAX):c.2524C>T (p.Arg842Cys)

Gene: ITGAX (integrin subunit alpha X; plus strand). Cytogenetic location: 16p11.2.
Variant type: single nucleotide variant.
Coding change: c.2524C>T on transcript NM_000887.5 (MANE Select); coding-DNA position 2524, C replaced by T.
Protein change: p.Arg842Cys; replaces arginine 842 with cysteine.
Molecular consequence: missense variant.
Genome position (GRCh38, 1-based): chr16:31,376,814, C>T. VCF-style: chr16-31376814-C-T. GRCh37 (hg19) VCF-style: chr16-31388135-C-T.
Other names: c.2524C>T, p.Arg842Cys (NM_001286375.2); short protein forms R842C.
Identifiers: ClinVar variation 3111397 (VCV003111397.2), dbSNP rs138066479, ClinGen allele CA8027284.

ClinVar aggregate classification (germline): Uncertain significance (1 of 4 stars; one submission).

Allele frequency attached by ClinVar (database versions not stated): gnomAD 0.00022; ESP Exome Variant Server 0.00031; TOPMed 0.00025; gnomAD exomes 0.00023; ExAC 0.00017; 1000 Genomes Project 30x 0.00031; 1000 Genomes Project 0.00040.
gnomAD v4.1: 371 of 1,614,148 alleles (0.023%); highest among the groups gnomAD compares: Admixed American, 0.062%; 1 homozygote.

Submission:

Ambry Genetics
Classification: Uncertain significance. Last evaluated: 2026-08-13. Review status: criteria provided, single submitter. Criteria: Ambry Variant Classification Scheme 2023. Collection method: clinical testing. Allele origin: germline.
Comment: The c.2524C>T (p.R842C) alteration is located in exon 21 (coding exon 21) of the ITGAX gene. This alteration results from a C to T substitution at nucleotide position 2524, causing the arginine (R) at amino acid position 842 to be replaced by a cysteine (C). Based on data from gnomAD, the T allele has an overall frequency of 0.021% (58/282588) total alleles studied. The highest observed frequency was 0.045% (16/35430) of Latino alleles. Based on insufficient or conflicting evidence, the clinical significance of this alteration remains unclear.